The following is an entry in ClinVar:

NM_144670.6(A2ML1):c.1394G>T (p.Gly465Val)

Gene: A2ML1 (alpha-2-macroglobulin like 1; plus strand). Cytogenetic location: 12p13.31.
Variant type: single nucleotide variant.
Coding change: c.1394G>T on transcript NM_144670.6 (MANE Select); coding-DNA position 1394, G replaced by T.
Protein change: p.Gly465Val; replaces glycine 465 with valine.
Molecular consequence: missense variant.
Genome position (GRCh38, 1-based): chr12:8,843,279, G>T. VCF-style: chr12-8843279-G-T. GRCh37 (hg19) VCF-style: chr12-8995875-G-T.
Other names: short protein forms G465V.
Identifiers: ClinVar variation 2626055 (VCV002626055.2), dbSNP rs757576013, ClinGen allele CA383825135.

ClinVar aggregate classification (germline): Uncertain significance (1 of 4 stars; one submission).

Submission:

Ambry Genetics
Classification: Uncertain significance. Last evaluated: 2023-06-29. Review status: criteria provided, single submitter. Criteria: Ambry Variant Classification Scheme 2023. Collection method: clinical testing. Allele origin: germline.
Comment: The p.G465V variant (also known as c.1394G>T), located in coding exon 12 of the A2ML1 gene, results from a G to T substitution at nucleotide position 1394. The glycine at codon 465 is replaced by valine, an amino acid with dissimilar properties. This amino acid position is conserved. In addition, the in silico prediction for this alteration is inconclusive. Since supporting evidence is limited at this time, the clinical significance of this alteration remains unclear.